The following is an entry in ClinVar:

ClinVar aggregate classification (germline): Uncertain significance (1 of 4 stars; one submission).

Conditions:
Familial sleep-related hypermotor epilepsy. Also called: Autosomal Dominant Sleep-Related Hypermotor (Hyperkinetic) Epilepsy. Identifiers: Orphanet 98784, MedGen C3696898, MONDO:0000030.

Allele frequency attached by ClinVar (database versions not stated): gnomAD exomes below 0.00001; gnomAD 0.00001; TOPMed 0.00001.
gnomAD v4.1: 2 of 1,613,982 alleles (0.00012%); highest among the groups gnomAD compares: Non-Finnish European, 0.00017%; no homozygotes.

Submission:

Labcorp Genetics (formerly Invitae), Labcorp
Classification: Uncertain significance. Last evaluated: 2020-11-21. Review status: criteria provided, single submitter. Criteria: Invitae Variant Classification Sherloc (09022015). Collection method: clinical testing. Allele origin: germline.
Comment: This variant has not been reported in the literature in individuals with CHRNA2-related conditions. This variant is not present in population databases (ExAC no frequency). This sequence change replaces asparagine with aspartic acid at codon 129 of the CHRNA2 protein (p.Asn129Asp). The asparagine residue is highly conserved and there is a small physicochemical difference between asparagine and aspartic acid. Algorithms developed to predict the effect of missense changes on protein structure and function are either unavailable or do not agree on the potential impact of this missense change (SIFT: "Tolerated"; PolyPhen-2: "Probably Damaging"; Align-GVGD: "Class C0"). In summary, the available evidence is currently insufficient to determine the role of this variant in disease. Therefore, it has been classified as a Variant of Uncertain Significance.

NM_000742.4(CHRNA2):c.385A>G (p.Asn129Asp)

Gene: CHRNA2 (cholinergic receptor nicotinic alpha 2 subunit; minus strand). Cytogenetic location: 8p21.2.
Variant type: single nucleotide variant.
Coding change: c.385A>G on transcript NM_000742.4 (MANE Select); coding-DNA position 385, A replaced by G.
Protein change: p.Asn129Asp; replaces asparagine 129 with aspartic acid.
Molecular consequence: missense variant. On other transcripts: 5 prime UTR variant (4).
Genome position (GRCh38, 1-based): chr8:27,467,293, T>C on the plus strand (A>G on the coding strand, the complement: CHRNA2 is on the minus strand). VCF-style: chr8-27467293-T-C. GRCh37 (hg19) VCF-style: chr8-27324810-T-C.
Other names: c.340A>G, p.Asn114Asp (NM_001282455.2); c.-88A>G (NM_001347705.2, NM_001347706.2); c.-74A>G (NM_001347707.2); c.-77A>G (NM_001347708.2); short protein forms N114D, N129D.
Identifiers: ClinVar variation 952067 (VCV000952067.6), dbSNP rs1418872943, ClinGen allele CA370812591.
Genomic context (GRCh38, chr8:27,467,293, plus strand): 5'-TGTAGAGAACAATGTCGGGGATCCAGATCATCTCAGAAGGGACCCTGAGAGATGTGATGT[T>C]GCCAAAATCAGTGGGGTTCCAGCGCAGTTTGTAGTCGCTCCACTCCTGTGTGTGGGGAAG-3'
Protein context (NP_000733.2, residues 119-139): KLRWNPTDFG[Asn129Asp]ITSLRVPSEM